The following is an entry in ClinVar:

ClinVar aggregate classification (germline): Uncertain significance (1 of 4 stars; one submission).

Conditions:
Marfan syndrome (MFS). Also called: MARFAN SYNDROME, TYPE I; Marfan syndrome type 1; Marfan's syndrome; Marfan syndrome, classic; FBN1-Related Marfan Syndrome. Identifiers: Orphanet 284963, Orphanet 558, MedGen C0024796, MONDO:0007947, OMIM 154700.
Familial thoracic aortic aneurysm and aortic dissection (TAAD). Also called: Thoracic aortic aneurysms and dissections. Identifiers: Orphanet 91387, MedGen C4707243, MONDO:0019625.

Submission:

Labcorp Genetics (formerly Invitae), Labcorp
Classification: Uncertain significance for Marfan syndrome; Familial thoracic aortic aneurysm and aortic dissection. Last evaluated: 2024-09-15. Review status: criteria provided, single submitter. Criteria: Invitae Variant Classification Sherloc (09022015). Collection method: clinical testing. Allele origin: germline.
Comment: This sequence change replaces methionine, which is neutral and non-polar, with isoleucine, which is neutral and non-polar, at codon 1373 of the FBN1 protein (p.Met1373Ile). This variant is not present in population databases (gnomAD no frequency). This missense change has been observed in individual(s) with clinical features of thoracic aortic aneurysm and dissection (internal data). Invitae Evidence Modeling of protein sequence and biophysical properties (such as structural, functional, and spatial information, amino acid conservation, physicochemical variation, residue mobility, and thermodynamic stability) indicates that this missense variant is not expected to disrupt FBN1 protein function with a negative predictive value of 95%. In summary, the available evidence is currently insufficient to determine the role of this variant in disease. Therefore, it has been classified as a Variant of Uncertain Significance.

NM_000138.5(FBN1):c.4119G>A (p.Met1373Ile)

Gene: FBN1 (fibrillin 1; minus strand). Cytogenetic location: 15q21.1.
Variant type: single nucleotide variant.
Coding change: c.4119G>A on transcript NM_000138.5 (MANE Select); coding-DNA position 4119, G replaced by A.
Protein change: p.Met1373Ile; replaces methionine 1373 with isoleucine.
Molecular consequence: missense variant.
Genome position (GRCh38, 1-based): chr15:48,474,346, C>T on the plus strand (G>A on the coding strand, the complement: FBN1 is on the minus strand). VCF-style: chr15-48474346-C-T. GRCh37 (hg19) VCF-style: chr15-48766543-C-T.
Other names: c.4119G>A, p.Met1373Ile (NM_001406716.1); short protein forms M1373I.
Identifiers: ClinVar variation 3762297 (VCV003762297.2).
Genomic context (GRCh38, chr15:48,474,346, plus strand): 5'-TTCCTTGCACAGACAGCGGTAAGATCCCATGGTATTCTTGCAGTCTGCATGCTGGCTGCA[C>T]ATATGGGTTCCATTGGAACATTCGTCCAGATCTTATAGAAAAAGGTTATATCATTATTAA-3'
Protein context (NP_000129.3, residues 1363-1383): DLDECSNGTH[Met1373Ile]CSQHADCKNT